The following is an entry in ClinVar:

NM_173689.7(CRB2):c.3366T>C (p.Pro1122=)

Gene: CRB2 (crumbs cell polarity complex component 2; plus strand). Cytogenetic location: 9q33.3.
Variant type: single nucleotide variant.
Coding change: c.3366T>C on transcript NM_173689.7 (MANE Select); coding-DNA position 3366, T replaced by C.
Protein change: p.Pro1122=; no amino-acid change (proline 1122 retained).
Molecular consequence: synonymous variant. On other transcripts: non-coding transcript variant (1).
Genome position (GRCh38, 1-based): chr9:123,373,897, T>C. VCF-style: chr9-123373897-T-C. GRCh37 (hg19) VCF-style: chr9-126136176-T-C.
Other names: c.3366T>C (NM_173689.6).
Identifiers: ClinVar variation 2083110 (VCV002083110.6), dbSNP rs756922474, ClinGen allele CA5232427.

ClinVar aggregate classification (germline): Likely benign. Review status: criteria provided, multiple submitters, no conflicts (2 of 4 stars). 3 submissions from 3 submitters: Likely benign (2). 1 of the submissions does not count toward it. Last evaluated 2025-08-16.

Conditions:
CRB2-related disorder. Also called: CRB2-related condition; CRB2-related disorders.

Allele frequency attached by ClinVar (database versions not stated): gnomAD 0.00002; gnomAD exomes 0.00005; TOPMed 0.00006.
gnomAD v4.1: 30 of 1,548,212 alleles (0.0019%); highest among the groups gnomAD compares: Admixed American, 0.058%; no homozygotes.

Submissions (3):

Labcorp Genetics (formerly Invitae), Labcorp
Classification: Likely benign. Last evaluated: 2025-08-16. Review status: criteria provided, single submitter. Criteria: Invitae Variant Classification Sherloc (09022015). Collection method: clinical testing. Allele origin: germline.

Blueprint Genetics
Classification: Likely benign. Last evaluated: 2020-06-09. Review status: criteria provided, single submitter. Criteria: ACMG Guidelines, 2015. Collection method: clinical testing. Allele origin: germline.

PreventionGenetics, part of Exact Sciences
Classification: Likely benign for CRB2-related condition. Last evaluated: 2024-03-14. Review status: no assertion criteria provided. Collection method: clinical testing. Allele origin: germline. Not counted in ClinVar's aggregate classification.
Comment: This variant is classified as likely benign based on ACMG/AMP sequence variant interpretation guidelines (Richards et al. 2015 PMID: 25741868, with internal and published modifications).